The following is an entry in ClinVar:

NM_001205293.3(CACNA1E):c.3544C>T (p.Arg1182Cys)

Gene: CACNA1E (calcium voltage-gated channel subunit alpha1 E; plus strand). Cytogenetic location: 1q25.3.
Variant type: single nucleotide variant.
Coding change: c.3544C>T on transcript NM_001205293.3 (MANE Select); coding-DNA position 3544, C replaced by T.
Protein change: p.Arg1182Cys; replaces arginine 1182 with cysteine.
Molecular consequence: missense variant.
Genome position (GRCh38, 1-based): chr1:181,737,646, C>T. VCF-style: chr1-181737646-C-T. GRCh37 (hg19) VCF-style: chr1-181706782-C-T.
Other names: c.3544C>T, p.Arg1182Cys (NM_000721.4); c.3487C>T, p.Arg1163Cys (NM_001205294.2); c.3544C>T (NM_001205293.1); short protein forms R1163C, R1182C.
Identifiers: ClinVar variation 1251961 (VCV001251961.11), dbSNP rs759093976, ClinGen allele CA343622067.

ClinVar aggregate classification (germline): Conflicting classifications of pathogenicity. Review status: criteria provided, conflicting classifications (1 of 4 stars). 5 submissions from 5 submitters: Uncertain significance (4); Likely benign (1). Last evaluated 2026-02-26.

Conditions:
Inborn genetic diseases. Identifiers: MedGen C0950123, MeSH D030342.
Developmental and epileptic encephalopathy, 69. Also called: EPILEPTIC ENCEPHALOPATHY, EARLY INFANTILE, 69. Identifiers: MedGen C4748988, MONDO:0032657, OMIM 618285.

Allele frequency attached by ClinVar (database versions not stated): TOPMed 0.00001.

Submissions (5):

Ambry Genetics
Classification: Uncertain significance for Inborn genetic diseases. Last evaluated: 2026-02-26. Review status: criteria provided, single submitter. Criteria: Ambry Variant Classification Scheme 2023. Collection method: clinical testing. Allele origin: germline.

Labcorp Genetics (formerly Invitae), Labcorp
Classification: Uncertain significance. Last evaluated: 2025-10-23. Review status: criteria provided, single submitter. Criteria: Invitae Variant Classification Sherloc (09022015). Collection method: clinical testing. Allele origin: germline.
Comment: This sequence change replaces arginine, which is basic and polar, with cysteine, which is neutral and slightly polar, at codon 1182 of the CACNA1E protein (p.Arg1182Cys). This variant is not present in population databases (gnomAD no frequency). This missense change has been observed in individual(s) with clinical features of CACNA1E-related conditions (internal data). ClinVar contains an entry for this variant (Variation ID: 1251961). Invitae Evidence Modeling of protein sequence and biophysical properties (such as structural, functional, and spatial information, amino acid conservation, physicochemical variation, residue mobility, and thermodynamic stability) has been performed for this missense variant. However, the output from this modeling did not meet the statistical confidence thresholds required to predict the impact of this variant on CACNA1E protein function. In summary, the available evidence is currently insufficient to determine the role of this variant in disease. Therefore, it has been classified as a Variant of Uncertain Significance.

Women's Health and Genetics/Laboratory Corporation of America, LabCorp
Classification: Likely benign. Last evaluated: 2025-09-17. Review status: criteria provided, single submitter. Criteria: LabCorp Variant Classification Summary - May 2015. Collection method: clinical testing. Allele origin: germline.
Comment: Variant summary: CACNA1E c.3544C>T (p.Arg1182Cys) results in a non-conservative amino acid change in the encoded protein sequence. Algorithms developed to predict the effect of missense changes on protein structure and function all suggest that this variant is likely to be disruptive. The variant allele was found at a frequency of 1.5e-05 in 1613554 control chromosomes (i.e. in 25 carriers) in the gnomAD database (v4.1 dataset). The occurrence in several carriers suggests that this variant is likely not associated with a high penetrance, severe, early onset disease phenotype in heterozygous state. The variant, c.3544C>T, has been observed in the heterozygous state in at least 1 individual affected with clinical features of CACNA1E-related conditions (Labcorp Genetics (formerly Invitae)). These data do not allow any conclusion about variant significance. To our knowledge, no experimental evidence demonstrating an impact on protein function has been reported. The following publication has been ascertained in the context of this evaluation (PMID: 24755471). ClinVar contains an entry for this variant (Variation ID: 1251961). Based on the evidence outlined above, the variant was classified as likely benign.

Genome-Nilou Lab
Classification: Uncertain significance for Developmental and epileptic encephalopathy, 69. Last evaluated: 2023-04-11. Review status: criteria provided, single submitter. Criteria: ACMG Guidelines, 2015. Collection method: clinical testing. Allele origin: germline. Affected: no.

HudsonAlpha Institute for Biotechnology
Classification: Uncertain significance for Developmental and epileptic encephalopathy, 69. Last evaluated: 2020-03-03. Review status: criteria provided, single submitter. Criteria: ACMG Guidelines, 2015. Collection method: research. Allele origin: unknown. Observed: 1 variant allele. Study: HudsonAlpha-AGHI-WGS.
Comment: ACMG codes:PM2, PP3

Literature cited by the submitters: PubMed 24755471 (cited by Women's Health and Genetics/Laboratory Corporation of America, LabCorp).